The following is an entry in ClinVar:

ClinVar aggregate classification (germline): Uncertain significance. Review status: criteria provided, multiple submitters, no conflicts (2 of 4 stars). 2 submissions from 2 submitters: Uncertain significance (2). Last evaluated 2024-09-10.

Conditions:
Ehlers-Danlos syndrome, musculocontractural type 2 (EDSMC2). Identifiers: Orphanet 2953, MedGen C3809845, MONDO:0014236, OMIM 615539.

Submissions (2):

GeneDx
Classification: Uncertain significance. Last evaluated: 2024-09-10. Review status: criteria provided, single submitter. Criteria: GeneDx Variant Classification Process June 2021. Collection method: clinical testing. Allele origin: germline. Affected: yes.
Comment: Not observed at significant frequency in large population cohorts (gnomAD); In silico analysis indicates that this missense variant does not alter protein structure/function; Has not been previously published as pathogenic or benign to our knowledge

Labcorp Genetics (formerly Invitae), Labcorp
Classification: Uncertain significance for Ehlers-Danlos syndrome, musculocontractural type 2. Last evaluated: 2022-07-06. Review status: criteria provided, single submitter. Criteria: Invitae Variant Classification Sherloc (09022015). Collection method: clinical testing. Allele origin: germline.
Comment: In summary, the available evidence is currently insufficient to determine the role of this variant in disease. Therefore, it has been classified as a Variant of Uncertain Significance. Algorithms developed to predict the effect of missense changes on protein structure and function are either unavailable or do not agree on the potential impact of this missense change (SIFT: "Not Available"; PolyPhen-2: "Probably Damaging"; Align-GVGD: "Not Available"). This variant has not been reported in the literature in individuals affected with DSE-related conditions. This variant is not present in population databases (gnomAD no frequency). This sequence change replaces arginine, which is basic and polar, with serine, which is neutral and polar, at codon 837 of the DSE protein (p.Arg837Ser).

NM_013352.4(DSE):c.2511A>T (p.Arg837Ser)

Gene: DSE (dermatan sulfate epimerase; plus strand). Cytogenetic location: 6q22.1.
Variant type: single nucleotide variant.
Coding change: c.2511A>T on transcript NM_013352.4 (MANE Select); coding-DNA position 2511, A replaced by T.
Protein change: p.Arg837Ser; replaces arginine 837 with serine.
Molecular consequence: missense variant. On other transcripts: 3 prime UTR variant (2), non-coding transcript variant (1).
Genome position (GRCh38, 1-based): chr6:116,436,979, A>T. VCF-style: chr6-116436979-A-T. GRCh37 (hg19) VCF-style: chr6-116758142-A-T.
Other names: c.2511A>T, p.Arg837Ser (NM_001080976.3, NM_001322937.2, NM_001322938.2); c.2568A>T, p.Arg856Ser (NM_001322939.2); c.1950A>T, p.Arg650Ser (NM_001322940.2, NM_001322941.2); c.*1376A>T (NM_001322943.2, NM_001322944.2); c.1512A>T, p.Arg504Ser (NM_001374520.1); c.1476A>T, p.Arg492Ser (NM_001374521.1); c.2511A>T (NM_013352.2); short protein forms R492S, R504S, R856S, R650S, R837S.
Identifiers: ClinVar variation 2059283 (VCV002059283.5), dbSNP rs2482308242, ClinGen allele CA365408141.